The following is an entry in ClinVar:

ClinVar aggregate classification (germline): Pathogenic (1 of 4 stars; one submission).

Conditions:
COG5-congenital disorder of glycosylation. Also called: CDG IIi; CONGENITAL DISORDER OF GLYCOSYLATION, TYPE IIi; COG5-CDG. Identifiers: Orphanet 263487, MedGen C3150876, MONDO:0013325, OMIM 613612.

Submission:

Labcorp Genetics (formerly Invitae), Labcorp
Classification: Pathogenic for COG5-congenital disorder of glycosylation. Last evaluated: 2022-03-22. Review status: criteria provided, single submitter. Criteria: Invitae Variant Classification Sherloc (09022015). Collection method: clinical testing. Allele origin: germline.
Comment: This sequence change creates a premature translational stop signal (p.Arg786*) in the COG5 gene. It is expected to result in an absent or disrupted protein product. Loss-of-function variants in COG5 are known to be pathogenic (PMID: 23228021). This variant is not present in population databases (gnomAD no frequency). This variant has not been reported in the literature in individuals affected with COG5-related conditions. Algorithms developed to predict the effect of sequence changes on RNA splicing suggest that this variant may create or strengthen a splice site. For these reasons, this variant has been classified as Pathogenic.

Literature cited by the submitters: PubMed 23228021.

NM_006348.5(COG5):c.2263A>T (p.Arg755Ter)

Gene: COG5 (component of oligomeric golgi complex 5; minus strand). Cytogenetic location: 7q22.3.
Variant type: single nucleotide variant.
Coding change: c.2263A>T on transcript NM_006348.5 (MANE Select); coding-DNA position 2263, A replaced by T.
Protein change: p.Arg755Ter; replaces arginine 755 with a stop codon.
Molecular consequence: nonsense. On other transcripts: intron variant (1).
Genome position (GRCh38, 1-based): chr7:107,211,131, T>A on the plus strand (A>T on the coding strand, the complement: COG5 is on the minus strand). VCF-style: chr7-107211131-T-A. GRCh37 (hg19) VCF-style: chr7-106851576-T-A.
Other names: c.2263A>T, p.Arg755Ter (NM_001161520.2); c.2101A>T, p.Arg701Ter (NM_001379511.1); c.2089A>T, p.Arg697Ter (NM_001379512.1); c.1948A>T, p.Arg650Ter (NM_001379514.1); c.1693A>T, p.Arg565Ter (NM_001379515.1); c.1549A>T, p.Arg517Ter (NM_001379516.1); c.2200A>T, p.Arg734Ter (NM_181733.4); c.2169-7501A>T (NM_001379513.1); short protein forms R650*, R734*, R755*, R517*, R701*, R565*, R697*.
Identifiers: ClinVar variation 1444263 (VCV001444263.6), dbSNP rs2116201860, ClinGen allele CA368839778.
Genomic context (GRCh38, chr7:107,211,131, plus strand): 5'-AGGGTTCTGGCTTGACTTTATTTATTACCTGGAAAGGAGATTTCAGTTCAGCGGGTGCTC[T>A]CGTGAACAAAAACTGAATAATGATGCTGAACGGAATCACATCCCCCAATGCAGGACTACT-3'